The following is an entry in ClinVar:

ClinVar aggregate classification (germline): Uncertain significance (1 of 4 stars; one submission).

Conditions:
Immunodeficiency 35 (IMD35). Also called: HIES WITH ATYPICAL MYCOBACTERIOSIS, AUTOSOMAL RECESSIVE; HYPER-IgE SYNDROME WITH ATYPICAL MYCOBACTERIOSIS, AUTOSOMAL RECESSIVE; Susceptibility to infection due to TYK2 deficiency; TYK2 DEFICIENCY. Identifiers: Orphanet 331226, MedGen C1969086, MONDO:0012682, OMIM 611521.

Submission:

Labcorp Genetics (formerly Invitae), Labcorp
Classification: Uncertain significance for Immunodeficiency 35. Last evaluated: 2021-04-10. Review status: criteria provided, single submitter. Criteria: Invitae Variant Classification Sherloc (09022015). Collection method: clinical testing. Allele origin: germline.
Comment: This sequence change replaces leucine with phenylalanine at codon 1109 of the TYK2 protein (p.Leu1109Phe). The leucine residue is weakly conserved and there is a small physicochemical difference between leucine and phenylalanine. In summary, the available evidence is currently insufficient to determine the role of this variant in disease. Therefore, it has been classified as a Variant of Uncertain Significance. Algorithms developed to predict the effect of missense changes on protein structure and function are either unavailable or do not agree on the potential impact of this missense change (SIFT: "Not Available"; PolyPhen-2: "Benign"; Align-GVGD: "Not Available"). This variant has not been reported in the literature in individuals with TYK2-related conditions. This variant is not present in population databases (ExAC no frequency).

NM_003331.5(TYK2):c.3325C>T (p.Leu1109Phe)

Gene: TYK2 (tyrosine kinase 2; minus strand). Cytogenetic location: 19p13.2.
Variant type: single nucleotide variant.
Coding change: c.3325C>T on transcript NM_003331.5 (MANE Select); coding-DNA position 3325, C replaced by T.
Protein change: p.Leu1109Phe; replaces leucine 1109 with phenylalanine.
Molecular consequence: missense variant. On other transcripts: intron variant (1).
Genome position (GRCh38, 1-based): chr19:10,351,156, G>A on the plus strand (C>T on the coding strand, the complement: TYK2 is on the minus strand). VCF-style: chr19-10351156-G-A. GRCh37 (hg19) VCF-style: chr19-10461832-G-A.
Other names: c.3175C>T, p.Leu1059Phe (NM_001385198.1); c.3139C>T, p.Leu1047Phe (NM_001385199.1); c.3322C>T, p.Leu1108Phe (NM_001385200.1); c.3127C>T, p.Leu1043Phe (NM_001385201.1); c.3241C>T, p.Leu1081Phe (NM_001385202.1); c.3406C>T, p.Leu1136Phe (NM_001385203.1); c.3535C>T, p.Leu1179Phe (NM_001385204.1); c.3235C>T, p.Leu1079Phe (NM_001385205.1); and 3 more; short protein forms L1047F, L1079F, L1103F, L1108F, L1067F, L1059F, L1136F, L1043F.
Identifiers: ClinVar variation 1517890 (VCV001517890.6), dbSNP rs2145127143, ClinGen allele CA403980789.